The following is an entry in ClinVar:

ClinVar aggregate classification (germline): Conflicting classifications of pathogenicity. Review status: criteria provided, conflicting classifications (1 of 4 stars). 4 submissions from 4 submitters: Uncertain significance (1); Benign (2); Likely benign (1). Last evaluated 2024-10-18.

Conditions:
Occult macular dystrophy (OCMD). Also called: OCCULT MACULAR DYSTROPHY, SUSCEPTIBILITY TO; OMD. Identifiers: Orphanet 247834, MedGen C3150833, MONDO:0013316, OMIM 613587, HP:0030636.
RP1L1-related disorder. Also called: RP1L1-related condition.
Inborn genetic diseases. Identifiers: MedGen C0950123, MeSH D030342.

Allele frequency attached by ClinVar (database versions not stated): ExAC 0.00040; ESP Exome Variant Server 0.00065; TOPMed 0.00090; gnomAD 0.00097 and 0.00104; 1000 Genomes Project 30x 0.00156; 1000 Genomes Project 0.00160.

Submissions (4):

PreventionGenetics, part of Exact Sciences
Classification: Benign for RP1L1-related condition. Last evaluated: 2024-10-18. Review status: criteria provided, single submitter. Criteria: ACMG Guidelines, 2015. Collection method: clinical testing. Allele origin: germline.
Comment: This variant is classified as benign based on ACMG/AMP sequence variant interpretation guidelines (Richards et al. 2015 PMID: 25741868, with internal and published modifications).

Blueprint Genetics
Classification: Likely benign. Last evaluated: 2024-07-08. Review status: criteria provided, single submitter. Criteria: ACMG Guidelines, 2015. Collection method: clinical testing. Allele origin: germline.

Ambry Genetics
Classification: Uncertain significance for Inborn genetic diseases. Last evaluated: 2021-09-17. Review status: criteria provided, single submitter. Criteria: Ambry Variant Classification Scheme 2023. Collection method: clinical testing. Allele origin: germline.

Illumina Laboratory Services, Illumina
Classification: Benign for Occult macular dystrophy. Last evaluated: 2018-01-13. Review status: criteria provided, single submitter. Criteria: ICSL Variant Classification Criteria 13 December 2019. Collection method: clinical testing. Allele origin: germline.
Comment: This variant was observed in the ICSL laboratory as part of a predisposition screen in an ostensibly healthy population. It had not been previously curated by ICSL or reported in the Human Gene Mutation Database (HGMD: prior to June 1st, 2018), and was therefore a candidate for classification through an automated scoring system. Utilizing variant allele frequency, disease prevalence and penetrance estimates, and inheritance mode, an automated score was calculated to assess if this variant is too frequent to cause the disease. Based on the score and internal cut-off values, a variant classified as benign is not then subjected to further curation. The score for this variant resulted in a classification of benign for this disease.

NM_178857.6(RP1L1):c.5138C>A (p.Thr1713Asn)

Gene: RP1L1 (RP1 like 1). Cytogenetic location: 8p23.1.
Variant type: single nucleotide variant.
Coding change: c.5138C>A on transcript NM_178857.6 (MANE Select); coding-DNA position 5138, C replaced by A.
Protein change: p.Thr1713Asn; replaces threonine 1713 with asparagine.
Molecular consequence: missense variant.
Genome position (GRCh38, 1-based): chr8:10,608,960, G>T on the plus strand (C>A on the coding strand, the complement: RP1L1 is on the minus strand). VCF-style: chr8-10608960-G-T. GRCh37 (hg19) VCF-style: chr8-10466470-G-T.
Other names: short protein forms T1713N.
Identifiers: ClinVar variation 361258 (VCV000361258.9), dbSNP rs200130856, ClinGen allele CA4623756.